The following is an entry in ClinVar:

ClinVar aggregate classification (germline): Uncertain significance (1 of 4 stars; one submission).

Conditions:
Primary ciliary dyskinesia 32. Also called: CILIARY DYSKINESIA, PRIMARY, 32, WITHOUT SITUS INVERSUS. Identifiers: Orphanet 244, MedGen C4225311, MONDO:0014657, OMIM 616481.

Submission:

Labcorp Genetics (formerly Invitae), Labcorp
Classification: Uncertain significance for Primary ciliary dyskinesia 32. Last evaluated: 2023-03-14. Review status: criteria provided, single submitter. Criteria: Invitae Variant Classification Sherloc (09022015). Collection method: clinical testing. Allele origin: germline.
Comment: In summary, the available evidence is currently insufficient to determine the role of this variant in disease. Therefore, it has been classified as a Variant of Uncertain Significance. An algorithm developed to predict the effect of missense changes on protein structure and function (PolyPhen-2) suggests that this variant is likely to be disruptive. This variant has not been reported in the literature in individuals affected with RSPH3-related conditions. This variant is present in population databases (no rsID available, gnomAD 0.003%). This sequence change replaces threonine, which is neutral and polar, with lysine, which is basic and polar, at codon 325 of the RSPH3 protein (p.Thr325Lys).

NM_031924.8(RSPH3):c.548C>A (p.Thr183Lys)

Gene: RSPH3 (radial spoke head 3; minus strand). Cytogenetic location: 6q25.3.
Variant type: single nucleotide variant.
Coding change: c.548C>A on transcript NM_031924.8 (MANE Select); coding-DNA position 548, C replaced by A.
Protein change: p.Thr183Lys; replaces threonine 183 with lysine.
Molecular consequence: missense variant. On other transcripts: non-coding transcript variant (1).
Genome position (GRCh38, 1-based): chr6:158,982,633, G>T on the plus strand (C>A on the coding strand, the complement: RSPH3 is on the minus strand). VCF-style: chr6-158982633-G-T. GRCh37 (hg19) VCF-style: chr6-159403665-G-T.
Other names: c.686C>A, p.Thr229Lys (NM_001346418.1); short protein forms T229K, T183K.
Identifiers: ClinVar variation 2881361 (VCV002881361.1), dbSNP rs201137146, ClinGen allele CA366280648.